The following is an entry in ClinVar:

NM_173728.4(ARHGEF15):c.304C>T (p.Pro102Ser)

Gene: ARHGEF15 (Rho guanine nucleotide exchange factor 15; plus strand). Cytogenetic location: 17p13.1.
Variant type: single nucleotide variant.
Coding change: c.304C>T on transcript NM_173728.4 (MANE Select); coding-DNA position 304, C replaced by T.
Protein change: p.Pro102Ser; replaces proline 102 with serine.
Molecular consequence: missense variant.
Genome position (GRCh38, 1-based): chr17:8,312,343, C>T. VCF-style: chr17-8312343-C-T. GRCh37 (hg19) VCF-style: chr17-8215661-C-T.
Other names: c.304C>T, p.Pro102Ser (NM_025014.2); short protein forms P102S.
Identifiers: ClinVar variation 4797773 (VCV004797773.1).

ClinVar aggregate classification (germline): Uncertain significance (1 of 4 stars; one submission).

Conditions:
Early-infantile DEE. Also called: Ohtahara syndrome; Early infantile epileptic encephalopathy; Early infantile epileptic encephalopathy with suppression bursts. Identifiers: Orphanet 1934, MedGen C0393706, MONDO:0800491.

Submission:

Labcorp Genetics (formerly Invitae), Labcorp
Classification: Uncertain significance for Early-infantile DEE. Last evaluated: 2025-04-17. Review status: criteria provided, single submitter. Criteria: Invitae Variant Classification Sherloc (09022015). Collection method: clinical testing. Allele origin: germline.
Comment: This sequence change replaces proline, which is neutral and non-polar, with serine, which is neutral and polar, at codon 102 of the ARHGEF15 protein (p.Pro102Ser). This variant is not present in population databases (gnomAD no frequency). This variant has not been reported in the literature in individuals affected with ARHGEF15-related conditions. An algorithm developed to predict the effect of missense changes on protein structure and function (PolyPhen-2) suggests that this variant is likely to be disruptive. In summary, the available evidence is currently insufficient to determine the role of this variant in disease. Therefore, it has been classified as a Variant of Uncertain Significance.